The following is an entry in ClinVar:

ClinVar aggregate classification (germline): Uncertain significance (1 of 4 stars; one submission).

Conditions:
Glycogen storage disease type III (GSD3). Also called: Cori disease; FORBES DISEASE. Identifiers: Orphanet 366, MedGen C0017922, MONDO:0009291, OMIM 232400.

Submission:

Institute of Immunology and Genetics Kaiserslautern
Classification: Uncertain significance for Glycogen storage disease type III. Last evaluated: 2026-03-10. Review status: criteria provided, single submitter. Criteria: ACMG Guidelines, 2015. Collection method: clinical testing. Allele origin: biparental. Affected: yes.
Comment: ACMG Criteria: PM2_P; Variant was found in homozygous state.

NM_000642.3(AGL):c.704C>T (p.Ala235Val)

Gene: AGL (amylo-alpha-1,6-glucosidase and 4-alpha-glucanotransferase; plus strand). Cytogenetic location: 1p21.2.
Variant type: single nucleotide variant.
Coding change: c.704C>T on transcript NM_000642.3 (MANE Select); coding-DNA position 704, C replaced by T.
Protein change: p.Ala235Val; replaces alanine 235 with valine.
Molecular consequence: missense variant.
Genome position (GRCh38, 1-based): chr1:99,870,439, C>T. VCF-style: chr1-99870439-C-T. GRCh37 (hg19) VCF-style: chr1-100335995-C-T.
Other names: c.704C>T, p.Ala235Val (NM_000028.3, NM_000643.3, NM_000644.3 and 3 more transcripts); c.656C>T, p.Ala219Val (NM_000646.3); c.500C>T, p.Ala167Val (NM_001425328.1, NM_001425329.1); c.326C>T, p.Ala109Val (NM_001425332.1); short protein forms A109V, A167V, A219V, A235V.
Identifiers: ClinVar variation 4849660 (VCV004849660.1).